The following is an entry in ClinVar:

ClinVar aggregate classification (germline): Uncertain significance (1 of 4 stars; one submission).

Allele frequency attached by ClinVar (database versions not stated): ExAC 0.00001; gnomAD exomes 0.00001; gnomAD 0.00002; TOPMed 0.00002; ESP Exome Variant Server 0.00008.
gnomAD v4.1: 21 of 1,614,018 alleles (0.0013%); highest among the groups gnomAD compares: African/African-American, 0.004%; no homozygotes.

Submission:

Labcorp Genetics (formerly Invitae), Labcorp
Classification: Uncertain significance. Last evaluated: 2022-10-17. Review status: criteria provided, single submitter. Criteria: Invitae Variant Classification Sherloc (09022015). Collection method: clinical testing. Allele origin: germline.
Comment: In summary, the available evidence is currently insufficient to determine the role of this variant in disease. Therefore, it has been classified as a Variant of Uncertain Significance. Algorithms developed to predict the effect of missense changes on protein structure and function (SIFT, PolyPhen-2, Align-GVGD) all suggest that this variant is likely to be disruptive. This variant has not been reported in the literature in individuals affected with TBX6-related conditions. This variant is present in population databases (rs374063359, gnomAD 0.008%). This sequence change replaces arginine, which is basic and polar, with cysteine, which is neutral and slightly polar, at codon 219 of the TBX6 protein (p.Arg219Cys).

NM_004608.4(TBX6):c.655C>T (p.Arg219Cys)

Gene: TBX6 (T-box transcription factor 6; minus strand). Cytogenetic location: 16p11.2.
Variant type: single nucleotide variant.
Coding change: c.655C>T on transcript NM_004608.4 (MANE Select); coding-DNA position 655, C replaced by T.
Protein change: p.Arg219Cys; replaces arginine 219 with cysteine.
Molecular consequence: missense variant.
Genome position (GRCh38, 1-based): chr16:30,088,806, G>A on the plus strand (C>T on the coding strand, the complement: TBX6 is on the minus strand). VCF-style: chr16-30088806-G-A. GRCh37 (hg19) VCF-style: chr16-30100127-G-A.
Other names: short protein forms R219C.
Identifiers: ClinVar variation 1960498 (VCV001960498.5), dbSNP rs374063359, ClinGen allele CA8001847.